The following is an entry in ClinVar:

NM_006767.4(LZTR1):c.1202A>C (p.Tyr401Ser)

Gene: LZTR1 (leucine zipper like post translational regulator 1; plus strand). Cytogenetic location: 22q11.21.
Variant type: single nucleotide variant.
Coding change: c.1202A>C on transcript NM_006767.4 (MANE Select); coding-DNA position 1202, A replaced by C.
Protein change: p.Tyr401Ser; replaces tyrosine 401 with serine.
Molecular consequence: missense variant.
Genome position (GRCh38, 1-based): chr22:20,992,846, A>C. VCF-style: chr22-20992846-A-C. GRCh37 (hg19) VCF-style: chr22-21347135-A-C.
Other names: short protein forms Y401S.
Identifiers: ClinVar variation 3238032 (VCV003238032.3), dbSNP rs2518618826.

ClinVar aggregate classification (germline): Uncertain significance. Review status: criteria provided, multiple submitters, no conflicts (2 of 4 stars). 2 submissions from 2 submitters: Uncertain significance (2). Last evaluated 2024-10-11.

Conditions:
Hereditary cancer-predisposing syndrome. Also called: Neoplastic Syndromes, Hereditary; Tumor predisposition; Hereditary neoplastic syndrome; Hereditary Cancer Syndrome. Identifiers: Orphanet 140162, MedGen C0027672, MeSH D009386, MONDO:0015356.
Cardiovascular phenotype. Identifiers: MedGen CN230736.

Submissions (2):

Labcorp Genetics (formerly Invitae), Labcorp
Classification: Uncertain significance. Last evaluated: 2024-10-11. Review status: criteria provided, single submitter. Criteria: Invitae Variant Classification Sherloc (09022015). Collection method: clinical testing. Allele origin: germline.
Comment: This sequence change replaces tyrosine, which is neutral and polar, with serine, which is neutral and polar, at codon 401 of the LZTR1 protein (p.Tyr401Ser). This variant is not present in population databases (gnomAD no frequency). This variant has not been reported in the literature in individuals affected with LZTR1-related conditions. Invitae Evidence Modeling of protein sequence and biophysical properties (such as structural, functional, and spatial information, amino acid conservation, physicochemical variation, residue mobility, and thermodynamic stability) indicates that this missense variant is not expected to disrupt LZTR1 protein function with a negative predictive value of 80%. In summary, the available evidence is currently insufficient to determine the role of this variant in disease. Therefore, it has been classified as a Variant of Uncertain Significance.

Ambry Genetics
Classification: Uncertain significance for Cardiovascular phenotype; Hereditary cancer-predisposing syndrome. Last evaluated: 2023-11-23. Review status: criteria provided, single submitter. Criteria: Ambry Variant Classification Scheme 2023. Collection method: clinical testing. Allele origin: germline.
Comment: The p.Y401S variant (also known as c.1202A>C), located in coding exon 11 of the LZTR1 gene, results from an A to C substitution at nucleotide position 1202. The tyrosine at codon 401 is replaced by serine, an amino acid with dissimilar properties. This amino acid position is conserved. In addition, this alteration is predicted to be deleterious by in silico analysis. Since supporting evidence is limited at this time, the clinical significance of this alteration remains unclear.